The following is an entry in ClinVar:

NM_133261.3(GIPC3):c.916G>A (p.Glu306Lys)

Gene: GIPC3 (GIPC PDZ domain containing family member 3; plus strand). Cytogenetic location: 19p13.3.
Variant type: single nucleotide variant.
Coding change: c.916G>A on transcript NM_133261.3 (MANE Select); coding-DNA position 916, G replaced by A.
Protein change: p.Glu306Lys; replaces glutamic acid 306 with lysine.
Molecular consequence: missense variant.
Genome position (GRCh38, 1-based): chr19:3,590,167, G>A. VCF-style: chr19-3590167-G-A. GRCh37 (hg19) VCF-style: chr19-3590165-G-A.
Other names: c.929G>A, p.Arg310Gln (NM_001411144.1); short protein forms E306K, R310Q.
Identifiers: ClinVar variation 2359495 (VCV002359495.5), dbSNP rs772055400, ClinGen allele CA9080635.
Genomic context (GRCh38, chr19:3,590,167, plus strand): 5'-GTCTTGGGCGAGTTCGCCTTCCCCGACGAGTTTGTGGTGGAAGTGTGGGCCGCCATCGGC[G>A]AGGCCAGAGAGGCCTGTGGCTAGTTTGCCCTGGGGGGGCCCAGCACAGCCCCAGCCCGGA-3'
Protein context (NP_573568.1, residues 296-312): FVVEVWAAIG[Glu306Lys]AREACG

ClinVar aggregate classification (germline): Uncertain significance. Review status: criteria provided, multiple submitters, no conflicts (2 of 4 stars). 3 submissions from 3 submitters: Uncertain significance (3). Last evaluated 2026-07-26.

Conditions:
Inborn genetic diseases. Identifiers: MedGen C0950123, MeSH D030342.
GIPC3-related disorder. Also called: GIPC3-related condition.

Allele frequency attached by ClinVar (database versions not stated): gnomAD 0.00001; TOPMed 0.00003.
gnomAD v4.1: 42 of 1,603,888 alleles (0.0026%); highest among the groups gnomAD compares: East Asian, 0.0067%; no homozygotes.

Submissions (3):

PreventionGenetics, part of Exact Sciences
Classification: Uncertain significance for GIPC3-related condition. Last evaluated: 2026-07-26. Review status: criteria provided, single submitter. Criteria: ACMG Guidelines, 2015. Collection method: clinical testing. Allele origin: germline.
Comment: The GIPC3 c.916G>A variant is predicted to result in the amino acid substitution p.Glu306Lys. To our knowledge, this variant has not been reported in the literature. This variant is reported in 0.016% of alleles in individuals of East Asian descent in gnomAD. At this time, the clinical significance of this variant is uncertain due to the absence of conclusive functional and genetic evidence.

GeneDx
Classification: Uncertain significance. Last evaluated: 2025-09-10. Review status: criteria provided, single submitter. Criteria: GeneDx Variant Classification Process June 2021. Collection method: clinical testing. Allele origin: germline.
Comment: In silico analysis supports that this missense variant has a deleterious effect on protein structure/function; Has not been previously published as pathogenic or benign to our knowledge

Ambry Genetics
Classification: Uncertain significance for Inborn genetic diseases. Last evaluated: 2022-01-26. Review status: criteria provided, single submitter. Criteria: Ambry Variant Classification Scheme 2023. Collection method: clinical testing. Allele origin: germline.